The following is an entry in ClinVar:

NM_021614.4(KCNN2):c.2233A>G (p.Arg745Gly)

Genes: KCNN2 (potassium calcium-activated channel subfamily N member 2; plus strand), LOC101927078 (uncharacterized LOC101927078; minus strand). Cytogenetic location: 5q22.3.
Variant type: single nucleotide variant.
Coding change: c.2233A>G on transcript NM_021614.4 (MANE Select); coding-DNA position 2233, A replaced by G.
Protein change: p.Arg745Gly; replaces arginine 745 with glycine.
Molecular consequence: missense variant. On other transcripts: non-coding transcript variant (2).
Genome position (GRCh38, 1-based): chr5:114,496,039, A>G. VCF-style: chr5-114496039-A-G. GRCh37 (hg19) VCF-style: chr5-113831736-A-G.
Other names: c.2431A>G, p.Arg811Gly (NM_001372233.1); c.553A>G, p.Arg185Gly (NM_170775.3); short protein forms R185G, R745G, R811G.
Identifiers: ClinVar variation 4537367 (VCV004537367.1).

ClinVar aggregate classification (germline): Uncertain significance (1 of 4 stars; one submission).

Conditions:
Neurodevelopmental disorder with or without variable movement or behavioral abnormalities (NEDMAB). Identifiers: MedGen C5676908, MONDO:0859225, OMIM 619725.

Submission:

Genetics Department, Catlab
Classification: Uncertain significance for Neurodevelopmental disorder with or without variable movement or behavioral abnormalities. Last evaluated: 2025-08-05. Review status: criteria provided, single submitter. Criteria: ACMG Guidelines, 2015. Collection method: clinical testing. Allele origin: germline. Affected: yes. Observed: 1 variant allele.
Comment: The c.2233A>G variant in the KCNN2 gene produces a change of arginine for glycine at position 745 of the protein. To our knowledge this variant has not been previosuly identified in patients and is absent from gnomAD v4.1 (PM2_moderate). REVEL score gives a score of 0.41, which falls in the uncertain category. With all the available evidence, the variant is classified as of uncertain significance.